The following is an entry in ClinVar:

NM_001114753.3(ENG):c.1943A>G (p.Gln648Arg)

Gene: ENG (endoglin; minus strand). Cytogenetic location: 9q34.11.
Variant type: single nucleotide variant.
Coding change: c.1943A>G on transcript NM_001114753.3 (MANE Select); coding-DNA position 1943, A replaced by G.
Protein change: p.Gln648Arg; replaces glutamine 648 with arginine.
Molecular consequence: missense variant. On other transcripts: 3 prime UTR variant (1).
Genome position (GRCh38, 1-based): chr9:127,815,716, T>C on the plus strand (A>G on the coding strand, the complement: ENG is on the minus strand). VCF-style: chr9-127815716-T-C. GRCh37 (hg19) VCF-style: chr9-130577995-T-C.
Other names: c.*201A>G (NM_000118.4); c.1397A>G, p.Gln466Arg (NM_001278138.2); short protein forms Q466R, Q648R.
Identifiers: ClinVar variation 5035970 (VCV005035970.1).

ClinVar aggregate classification (germline): Uncertain significance (1 of 4 stars; one submission).

Conditions:
Cardiovascular phenotype. Identifiers: MedGen CN230736.

gnomAD v4.1: 1 of 1,562,398 alleles (0.000064%); highest among the groups gnomAD compares: Non-Finnish European, 0.000086%; no homozygotes.

Submission:

Ambry Genetics
Classification: Uncertain significance for Cardiovascular phenotype. Last evaluated: 2026-07-29. Review status: criteria provided, single submitter. Criteria: Ambry Variant Classification Scheme 2023. Collection method: clinical testing. Allele origin: germline.
Comment: The p.Q648R variant (also known as c.1943A>G), located in coding exon 15 of the ENG gene, results from an A to G substitution at nucleotide position 1943. The glutamine at codon 648 is replaced by arginine, an amino acid with highly similar properties. This amino acid position is conserved. In addition, the in silico prediction for this alteration is inconclusive. Based on the available evidence, the clinical significance of this variant remains unclear.